The following is an entry in ClinVar:

NM_001376.5(DYNC1H1):c.1213G>A (p.Ala405Thr)

Gene: DYNC1H1 (dynein cytoplasmic 1 heavy chain 1; plus strand). Cytogenetic location: 14q32.31.
Variant type: single nucleotide variant.
Coding change: c.1213G>A on transcript NM_001376.5 (MANE Select); coding-DNA position 1213, G replaced by A.
Protein change: p.Ala405Thr; replaces alanine 405 with threonine.
Molecular consequence: missense variant.
Genome position (GRCh38, 1-based): chr14:101,983,270, G>A. VCF-style: chr14-101983270-G-A. GRCh37 (hg19) VCF-style: chr14-102449607-G-A.
Other names: short protein forms A405T.
Identifiers: ClinVar variation 2068059 (VCV002068059.4), dbSNP rs1241172841, ClinGen allele CA391014228.

ClinVar aggregate classification (germline): Uncertain significance (1 of 4 stars; one submission).

Conditions:
Charcot-Marie-Tooth disease axonal type 2O. Also called: CHARCOT-MARIE-TOOTH NEUROPATHY, AXONAL, TYPE 2O; CHARCOT-MARIE-TOOTH DISEASE, AXONAL, AUTOSOMAL DOMINANT, TYPE 2O; Charcot-Marie-Tooth Neuropathy Type 2O; Charcot-Marie-Tooth disease, axonal, type 20. Identifiers: Orphanet 284232, MedGen C3280220, MONDO:0013644, OMIM 614228.

Allele frequency attached by ClinVar (database versions not stated): TOPMed below 0.00001.

Submission:

Labcorp Genetics (formerly Invitae), Labcorp
Classification: Uncertain significance for Charcot-Marie-Tooth disease axonal type 2O. Last evaluated: 2022-07-21. Review status: criteria provided, single submitter. Criteria: Invitae Variant Classification Sherloc (09022015). Collection method: clinical testing. Allele origin: germline.
Comment: In summary, the available evidence is currently insufficient to determine the role of this variant in disease. Therefore, it has been classified as a Variant of Uncertain Significance. Advanced modeling of protein sequence and biophysical properties (such as structural, functional, and spatial information, amino acid conservation, physicochemical variation, residue mobility, and thermodynamic stability) performed at Invitae indicates that this missense variant is not expected to disrupt DYNC1H1 protein function. This variant has not been reported in the literature in individuals affected with DYNC1H1-related conditions. This variant is not present in population databases (gnomAD no frequency). This sequence change replaces alanine, which is neutral and non-polar, with threonine, which is neutral and polar, at codon 405 of the DYNC1H1 protein (p.Ala405Thr).